The following is an entry in ClinVar:

ClinVar aggregate classification (germline): Uncertain significance (1 of 4 stars; one submission).

Submission:

CeGaT Center for Human Genetics Tuebingen
Classification: Uncertain significance. Last evaluated: 2024-05-01. Review status: criteria provided, single submitter. Criteria: CeGaT Center For Human Genetics Tuebingen Variant Classification Criteria Version 2. Collection method: clinical testing. Allele origin: germline. Affected: yes. Observed: 1 variant allele.
Comment: TRPM7: PM2

NM_017672.6(TRPM7):c.5135C>T (p.Ser1712Leu)

Gene: TRPM7 (transient receptor potential cation channel subfamily M member 7; minus strand). Cytogenetic location: 15q21.2.
Variant type: single nucleotide variant.
Coding change: c.5135C>T on transcript NM_017672.6 (MANE Select); coding-DNA position 5135, C replaced by T.
Protein change: p.Ser1712Leu; replaces serine 1712 with leucine.
Molecular consequence: missense variant. On other transcripts: non-coding transcript variant (3).
Genome position (GRCh38, 1-based): chr15:50,574,447, G>A on the plus strand (C>T on the coding strand, the complement: TRPM7 is on the minus strand). VCF-style: chr15-50574447-G-A. GRCh37 (hg19) VCF-style: chr15-50866644-G-A.
Other names: c.5132C>T, p.Ser1711Leu (NM_001301212.2); short protein forms S1711L, S1712L.
Identifiers: ClinVar variation 3239392 (VCV003239392.19), dbSNP rs2542192248.